The following is an entry in ClinVar:

ClinVar aggregate classification (germline): Uncertain significance. Review status: criteria provided, multiple submitters, no conflicts (2 of 4 stars). 2 submissions from 2 submitters: Uncertain significance (2). Last evaluated 2024-01-23.

Conditions:
Inborn genetic diseases. Identifiers: MedGen C0950123, MeSH D030342.

Submissions (2):

Ambry Genetics
Classification: Uncertain significance for Inborn genetic diseases. Last evaluated: 2024-01-23. Review status: criteria provided, single submitter. Criteria: Ambry Variant Classification Scheme 2023. Collection method: clinical testing. Allele origin: germline.

Labcorp Genetics (formerly Invitae), Labcorp
Classification: Uncertain significance. Last evaluated: 2022-06-14. Review status: criteria provided, single submitter. Criteria: Invitae Variant Classification Sherloc (09022015). Collection method: clinical testing. Allele origin: germline.
Comment: This variant is not present in population databases (gnomAD no frequency). This variant has not been reported in the literature in individuals affected with CDHR1-related conditions. Algorithms developed to predict the effect of missense changes on protein structure and function output the following: SIFT: "Tolerated"; PolyPhen-2: "Benign"; Align-GVGD: "Class C0". The lysine amino acid residue is found in multiple mammalian species, which suggests that this missense change does not adversely affect protein function. In summary, the available evidence is currently insufficient to determine the role of this variant in disease. Therefore, it has been classified as a Variant of Uncertain Significance. This sequence change replaces glutamine, which is neutral and polar, with lysine, which is basic and polar, at codon 175 of the CDHR1 protein (p.Gln175Lys).

NM_033100.4(CDHR1):c.523C>A (p.Gln175Lys)

Gene: CDHR1 (cadherin related family member 1; plus strand). Cytogenetic location: 10q23.1.
Variant type: single nucleotide variant.
Coding change: c.523C>A on transcript NM_033100.4 (MANE Select); coding-DNA position 523, C replaced by A.
Protein change: p.Gln175Lys; replaces glutamine 175 with lysine.
Molecular consequence: missense variant.
Genome position (GRCh38, 1-based): chr10:84,200,685, C>A. VCF-style: chr10-84200685-C-A. GRCh37 (hg19) VCF-style: chr10-85960441-C-A.
Other names: c.523C>A (NM_033100.2); c.523C>A, p.Gln175Lys (NM_001171971.3); short protein forms Q175K.
Identifiers: ClinVar variation 1411358 (VCV001411358.7), dbSNP rs1486109432, ClinGen allele CA377371651.